The following is an entry in ClinVar:

NM_000426.4(LAMA2):c.284-86_284-85insG

Gene: LAMA2 (laminin subunit alpha 2; plus strand). Cytogenetic location: 6q22.33.
Variant type: Insertion.
Coding change: c.284-86_284-85insG on transcript NM_000426.4 (MANE Select); 86 bases into the intron before coding-DNA position 284 through 85 bases into the intron before coding-DNA position 284, G inserted.
Molecular consequence: intron variant.
Genome position: GRCh38 VCF-style: chr6-129059698-C-CG. GRCh37 (hg19) VCF-style: chr6-129380843-C-CG.
Other names: c.284-86_284-85insG (NM_001079823.2).
Identifiers: ClinVar variation 682901 (VCV000682901.1), dbSNP rs143205326, ClinGen allele CA147271816.
Genomic context (GRCh38, chr6:129,059,698, plus strand): 5'-TGAATTACTCTCCTTCTGTATTATTTTAATGTTTGATATTCACATGATGGTTGTTTTAAC[C>CG]ATTTTTTTTTACTTTAAAGAAAAAGCTATAAACTAGTTATATGATCTTTTCTTCTTCCTT-3'

ClinVar aggregate classification (germline): Benign (1 of 4 stars; one submission).

Allele frequency attached by ClinVar (database versions not stated): 1000 Genomes Project 0.25359; 1000 Genomes Project 30x 0.26624.

Submission:

GeneDx
Classification: Benign. Last evaluated: 2018-06-19. Review status: criteria provided, single submitter. Criteria: GeneDx Variant Classification (06012015). Collection method: clinical testing. Allele origin: germline. Affected: yes.
Comment: This variant is considered likely benign or benign based on one or more of the following criteria: it is a conservative change, it occurs at a poorly conserved position in the protein, it is predicted to be benign by multiple in silico algorithms, and/or has population frequency not consistent with disease.